The following is an entry in ClinVar:

NM_004438.5(EPHA4):c.1198A>G (p.Ile400Val)

Gene: EPHA4 (EPH receptor A4; minus strand). Cytogenetic location: 2q36.1.
Variant type: single nucleotide variant.
Coding change: c.1198A>G on transcript NM_004438.5 (MANE Select); coding-DNA position 1198, A replaced by G.
Protein change: p.Ile400Val; replaces isoleucine 400 with valine.
Molecular consequence: missense variant.
Genome position (GRCh38, 1-based): chr2:221,482,472, T>C on the plus strand (A>G on the coding strand, the complement: EPHA4 is on the minus strand). VCF-style: chr2-221482472-T-C. GRCh37 (hg19) VCF-style: chr2-222347192-T-C.
Other names: c.1198A>G, p.Ile400Val (NM_001304536.2, NM_001363748.2); c.1045A>G, p.Ile349Val (NM_001304537.2); short protein forms I349V, I400V.
Identifiers: ClinVar variation 1484553 (VCV001484553.8), dbSNP rs1464493300, ClinGen allele CA350408262.

ClinVar aggregate classification (germline): Uncertain significance (1 of 4 stars; one submission).

Allele frequency attached by ClinVar (database versions not stated): gnomAD exomes 0.00001 and 0.00002; TOPMed 0.00001; gnomAD 0.00002.
gnomAD v4.1: 29 of 1,614,022 alleles (0.0018%); highest among the groups gnomAD compares: Non-Finnish European, 0.0019%; no homozygotes.

Submission:

Labcorp Genetics (formerly Invitae), Labcorp
Classification: Uncertain significance. Last evaluated: 2024-11-11. Review status: criteria provided, single submitter. Criteria: Invitae Variant Classification Sherloc (09022015). Collection method: clinical testing. Allele origin: germline.
Comment: This sequence change replaces isoleucine, which is neutral and non-polar, with valine, which is neutral and non-polar, at codon 400 of the EPHA4 protein (p.Ile400Val). This variant is present in population databases (no rsID available, gnomAD 0.02%). This variant has not been reported in the literature in individuals affected with EPHA4-related conditions. ClinVar contains an entry for this variant (Variation ID: 1484553). Invitae Evidence Modeling of protein sequence and biophysical properties (such as structural, functional, and spatial information, amino acid conservation, physicochemical variation, residue mobility, and thermodynamic stability) indicates that this missense variant is not expected to disrupt EPHA4 protein function with a negative predictive value of 80%. In summary, the available evidence is currently insufficient to determine the role of this variant in disease. Therefore, it has been classified as a Variant of Uncertain Significance.